The following is an entry in ClinVar:

NM_000051.4(ATM):c.1097_1101del (p.Ile366fs)

Gene: ATM (ATM serine/threonine kinase; plus strand). Cytogenetic location: 11q22.3.
Variant type: Deletion.
Coding change: c.1097_1101del on transcript NM_000051.4 (MANE Select); coding-DNA positions 1097 to 1101, 5 bases deleted (TTTCT; older notation c.1097_1101delTTTCT).
Protein change: p.Ile366fs; shifts the reading frame from isoleucine 366.
Molecular consequence: frameshift variant.
Genome position (GRCh38, 1-based): chr11:108,248,964-108,248,968, TTTCT deleted. VCF-style (leftmost placement, unchanged base first): chr11-108248963-ATTTCT-A. GRCh37 (hg19) VCF-style: chr11-108119690-ATTTCT-A.
Other names: c.1097_1101delTTTCT (NM_000051.4); c.1097_1101del, p.Ile366fs (NM_001351834.2); short protein forms I366fs.
Identifiers: ClinVar variation 1042497 (VCV001042497.5), dbSNP rs2079990512, ClinGen allele CA942011938.

ClinVar aggregate classification (germline): Conflicting classifications of pathogenicity. Review status: criteria provided, conflicting classifications (1 of 4 stars). 2 submissions from 2 submitters: Likely pathogenic (1); Uncertain significance (1). Last evaluated 2025-10-14.

Conditions:
Ataxia-telangiectasia syndrome (AT). Also called: ATAXIA-TELANGIECTASIA, COMPLEMENTATION GROUP A; ATAXIA-TELANGIECTASIA, FRESNO VARIANT; Ataxia-telangiectasia, complementation group D; AT, COMPLEMENTATION GROUP C; Cerebello-oculocutaneous telangiectasia; Immunodeficiency with ataxia telangiectasia. Identifiers: Orphanet 100, MedGen C0004135, MONDO:0008840, OMIM 208900.
Hereditary cancer-predisposing syndrome. Also called: Hereditary neoplastic syndrome; Neoplastic Syndromes, Hereditary; Tumor predisposition; Hereditary Cancer Syndrome. Identifiers: Orphanet 140162, MedGen C0027672, MeSH D009386, MONDO:0015356.

Allele frequency attached by ClinVar (database versions not stated): gnomAD 0.00001.

Submissions (2):

Institute for Biomarker Research, Medical Diagnostic Laboratories, L.L.C.
Classification: Likely pathogenic for Hereditary cancer-predisposing syndrome. Last evaluated: 2025-10-14. Review status: criteria provided, single submitter. Criteria: ACMG Guidelines, 2015. Collection method: clinical testing. Allele origin: germline.
Comment: The frameshift deletion NM_000051.4(ATM):c.1097_1101delTTTCT (p.Ile366Thrfs*11) has not been reported previously as a pathogenic variant nor as a benign variant, to our knowledge. This variant is predicted to cause loss of normal protein function through protein truncation caused a frameshift mutation. The frame shifted sequence continues 11 residues until a stop codon is reached. The p.Ile366Thrfs*11 variant is a loss of function variant in the gene ATM, which is intolerant of Loss of Function variants, as indicated by the presence of existing pathogenic loss of function variant NP_000042.3:p.M1L and 2851 others. For these reasons, this variant has been classified as Likely Pathogenic.

Labcorp Genetics (formerly Invitae), Labcorp
Classification: Uncertain significance for Ataxia-telangiectasia syndrome. Last evaluated: 2021-08-13. Review status: criteria provided, single submitter. Criteria: Invitae Variant Classification Sherloc (09022015). Collection method: clinical testing. Allele origin: germline.